The following is an entry in ClinVar:

NM_001379291.1(BRD4):c.2876C>T (p.Pro959Leu)

Gene: BRD4 (bromodomain containing 4; minus strand). Cytogenetic location: 19p13.12.
Variant type: single nucleotide variant.
Coding change: c.2876C>T on transcript NM_001379291.1 (MANE Select); coding-DNA position 2876, C replaced by T.
Protein change: p.Pro959Leu; replaces proline 959 with leucine.
Molecular consequence: missense variant.
Genome position (GRCh38, 1-based): chr19:15,243,193, G>A on the plus strand (C>T on the coding strand, the complement: BRD4 is on the minus strand). VCF-style: chr19-15243193-G-A. GRCh37 (hg19) VCF-style: chr19-15354004-G-A.
Other names: c.2876C>T, p.Pro959Leu (NM_058243.3); c.2876C>T (NM_058243.2); short protein forms P959L.
Identifiers: ClinVar variation 2907608 (VCV002907608.8), dbSNP rs1421117411, ClinGen allele CA404504377.
Genomic context (GRCh38, chr19:15,243,193, plus strand): 5'-GGTGGGGGTGGTGGCGGCTGCTGCTGCAGCTGCTGCTGCACAGAGGGGTGGGGTGGGGGC[G>A]GCAGGGGGGGTGGGGGCTGGGACTGCACCTTCACGGAAGGGAGTAGCGGCGTAGGGGGCT-3'
Protein context (NP_001366220.1, residues 949-969): KVQSQPPPPL[Pro959Leu]PPPHPSVQQQ

ClinVar aggregate classification (germline): Conflicting classifications of pathogenicity. Review status: criteria provided, conflicting classifications (1 of 4 stars). 3 submissions from 3 submitters: Uncertain significance (2); Likely benign (1). Last evaluated 2026-03-01.

Allele frequency attached by ClinVar (database versions not stated): gnomAD exomes 0.00002; gnomAD 0.00006.
gnomAD v4.1: 28 of 872,012 alleles (0.0032%); highest among the groups gnomAD compares: Middle Eastern, 0.074%; no homozygotes.

Submissions (3):

CeGaT Center for Human Genetics Tuebingen
Classification: Likely benign. Last evaluated: 2026-03-01. Review status: criteria provided, single submitter. Criteria: CeGaT Center For Human Genetics Tuebingen Variant Classification Criteria Version 2. Collection method: clinical testing. Allele origin: germline. Affected: yes. Observed: 1 variant allele.
Comment: BRD4: BP5

Labcorp Genetics (formerly Invitae), Labcorp
Classification: Uncertain significance. Last evaluated: 2025-10-04. Review status: criteria provided, single submitter. Criteria: Invitae Variant Classification Sherloc (09022015). Collection method: clinical testing. Allele origin: germline.
Comment: This sequence change replaces proline, which is neutral and non-polar, with leucine, which is neutral and non-polar, at codon 959 of the BRD4 protein (p.Pro959Leu). The frequency data for this variant in the population databases is considered unreliable, as metrics indicate poor data quality at this position in the gnomAD database. This variant has not been reported in the literature in individuals affected with BRD4-related conditions. ClinVar contains an entry for this variant (Variation ID: 2907608). An algorithm developed to predict the effect of missense changes on protein structure and function (PolyPhen-2) suggests that this variant is likely to be disruptive. In summary, the available evidence is currently insufficient to determine the role of this variant in disease. Therefore, it has been classified as a Variant of Uncertain Significance.

GeneDx
Classification: Uncertain significance. Last evaluated: 2025-05-27. Review status: criteria provided, single submitter. Criteria: GeneDx Variant Classification Process June 2021. Collection method: clinical testing. Allele origin: germline. Affected: yes.
Comment: In silico analysis suggests that this missense variant does not alter protein structure/function; Has not been previously published as pathogenic or benign to our knowledge